The following is an entry in ClinVar:

ClinVar aggregate classification (germline): Uncertain significance. Review status: criteria provided, multiple submitters, no conflicts (2 of 4 stars). 8 submissions from 8 submitters: Uncertain significance (8). Last evaluated 2026-02-08.

Conditions:
AXIN2-related disorder.
Colorectal cancer. Also called: Colorectal cancer, somatic; Malignant Colorectal Neoplasm. Identifiers: MedGen C0346629, MONDO:0005575, OMIM 114500.
Oligodontia-cancer predisposition syndrome. Also called: TOOTH AGENESIS-COLORECTAL CANCER SYNDROME. Identifiers: Orphanet 300576, MedGen C1837750, MONDO:0012075, OMIM 608615. Disease mechanism: loss of function.
Carcinoma of colon (CRC). Also called: Colon carcinoma; Colonic carcinoma. Identifiers: MedGen C0699790, MONDO:0002032.
Hereditary cancer-predisposing syndrome. Also called: Neoplastic Syndromes, Hereditary; Hereditary neoplastic syndrome; Hereditary Cancer Syndrome; Tumor predisposition. Identifiers: Orphanet 140162, MedGen C0027672, MeSH D009386, MONDO:0015356.

Allele frequency attached by ClinVar (database versions not stated): ExAC 0.00001; gnomAD 0.00001; gnomAD exomes 0.00002 and 0.00003; TOPMed 0.00002; ESP Exome Variant Server 0.00008.
gnomAD v4.1: 49 of 1,613,774 alleles (0.003%); highest among the groups gnomAD compares: Non-Finnish European, 0.004%; no homozygotes.

Submissions (8):

PreventionGenetics, part of Exact Sciences
Classification: Uncertain significance for AXIN2-related condition. Last evaluated: 2026-02-08. Review status: criteria provided, single submitter. Criteria: ACMG Guidelines, 2015. Collection method: clinical testing. Allele origin: germline.
Comment: The AXIN2 c.1708T>G variant is predicted to result in the amino acid substitution p.Phe570Val. To our knowledge, this variant has not been reported in the literature. This variant is reported in 0.0062% of alleles in individuals of African descent in gnomAD. This variant is interpreted as uncertain in ClinVar (Variation ID: 239996). At this time, the clinical significance of this variant is uncertain due to the absence of conclusive functional and genetic evidence.

Labcorp Genetics (formerly Invitae), Labcorp
Classification: Uncertain significance for Oligodontia-cancer predisposition syndrome. Last evaluated: 2026-01-28. Review status: criteria provided, single submitter. Criteria: Invitae Variant Classification Sherloc (09022015). Collection method: clinical testing. Allele origin: germline.
Comment: This sequence change replaces phenylalanine, which is neutral and non-polar, with valine, which is neutral and non-polar, at codon 570 of the AXIN2 protein (p.Phe570Val). This variant is present in population databases (rs373442399, gnomAD 0.007%). This variant has not been reported in the literature in individuals affected with AXIN2-related conditions. ClinVar contains an entry for this variant (Variation ID: 239996). Invitae Evidence Modeling of protein sequence and biophysical properties (such as structural, functional, and spatial information, amino acid conservation, physicochemical variation, residue mobility, and thermodynamic stability) indicates that this missense variant is not expected to disrupt AXIN2 protein function with a negative predictive value of 80%. RNA analysis performed to evaluate the impact of this missense change on mRNA splicing indicates it does not significantly alter splicing (internal data). In summary, the available evidence is currently insufficient to determine the role of this variant in disease. Therefore, it has been classified as a Variant of Uncertain Significance.

GeneDx
Classification: Uncertain significance. Last evaluated: 2024-12-08. Review status: criteria provided, single submitter. Criteria: GeneDx Variant Classification Process June 2021. Collection method: clinical testing. Allele origin: germline. Affected: yes.
Comment: In silico analysis indicates that this missense variant does not alter protein structure/function; In silico analysis suggests this variant may impact gene splicing. In the absence of RNA/functional studies, the actual effect of this sequence change is unknown; Has not been previously published as pathogenic or benign to our knowledge

Quest Diagnostics Nichols Institute San Juan Capistrano
Classification: Uncertain significance. Last evaluated: 2024-11-24. Review status: criteria provided, single submitter. Criteria: Quest Diagnostics criteria. Collection method: clinical testing. Allele origin: unknown.
Comment: The AXIN2 c.1708T>G (p.Phe570Val) variant has not been reported in individuals with AXIN2-related conditions in the published literature. The frequency of this variant in the general population, 0.000045 (5/111868 chromosomes (Genome Aggregation Database)), is uninformative in the assessment of its pathogenicity. Analysis of this variant using bioinformatics tools for the prediction of the effect of amino acid changes on protein structure and function yielded predictions that this variant is benign. Based on the available information, we are unable to determine the clinical significance of this variant.

Ambry Genetics
Classification: Uncertain significance for Hereditary cancer-predisposing syndrome. Last evaluated: 2024-04-05. Review status: criteria provided, single submitter. Criteria: Ambry Variant Classification Scheme 2023. Collection method: clinical testing. Allele origin: germline.
Comment: The p.F570V variant (also known as c.1708T>G), located in coding exon 5 of the AXIN2 gene, results from a T to G substitution at nucleotide position 1708. The phenylalanine at codon 570 is replaced by valine, an amino acid with highly similar properties. This amino acid position is poorly conserved in available vertebrate species. In addition, this alteration is predicted to be tolerated by in silico analysis. Since supporting evidence is limited at this time, the clinical significance of this alteration remains unclear.

Baylor Genetics
Classification: Uncertain significance for Colorectal cancer. Last evaluated: 2023-10-27. Review status: criteria provided, single submitter. Criteria: ACMG Guidelines, 2015. Collection method: clinical testing. Allele origin: unknown.

St. Jude Molecular Pathology, St. Jude Children's Research Hospital
Classification: Uncertain significance for Oligodontia-cancer predisposition syndrome. Last evaluated: 2022-09-29. Review status: criteria provided, single submitter. Criteria: St. Jude Assertion Criteria 2020. Collection method: clinical testing. Allele origin: germline.
Comment: The AXIN2 c.1708T>G (p.Phe570Val) change has a maximum subpopulation frequency of 0.0061% in gnomAD v2.1.1. The in silico tool REVEL predicts a benign effect on protein function, but to our knowledge this prediction has not been confirmed by functional studies. To our knowledge, this variant has not been reported in the literature in individuals with oligodontia-cancer predisposition syndrome. In summary, the evidence currently available is insufficient to determine the clinical significance of this variant. It has therefore been classified as of uncertain significance.

Fulgent Genetics
Classification: Uncertain significance for Colorectal cancer; Oligodontia-cancer predisposition syndrome. Last evaluated: 2018-10-31. Review status: criteria provided, single submitter. Criteria: ACMG Guidelines, 2015. Collection method: clinical testing. Allele origin: unknown.

NM_004655.4(AXIN2):c.1708T>G (p.Phe570Val)

Gene: AXIN2 (axin 2; minus strand). Cytogenetic location: 17q24.1.
Variant type: single nucleotide variant.
Coding change: c.1708T>G on transcript NM_004655.4 (MANE Select); coding-DNA position 1708, T replaced by G.
Protein change: p.Phe570Val; replaces phenylalanine 570 with valine.
Molecular consequence: missense variant.
Genome position (GRCh38, 1-based): chr17:65,537,328, A>C on the plus strand (T>G on the coding strand, the complement: AXIN2 is on the minus strand). VCF-style: chr17-65537328-A-C. GRCh37 (hg19) VCF-style: chr17-63533446-A-C.
Other names: c.1708T>G, p.Phe570Val (NM_001363813.1); c.1708T>G (LRG_296t1); short protein forms F570V.
Identifiers: ClinVar variation 239996 (VCV000239996.22), dbSNP rs373442399, ClinGen allele CA8718574.